The following is an entry in ClinVar:

NM_001873.4(CPE):c.796G>T (p.Ala266Ser)

Gene: CPE (carboxypeptidase E; plus strand). Cytogenetic location: 4q32.3.
Variant type: single nucleotide variant.
Coding change: c.796G>T on transcript NM_001873.4 (MANE Select); coding-DNA position 796, G replaced by T.
Protein change: p.Ala266Ser; replaces alanine 266 with serine.
Molecular consequence: missense variant.
Genome position (GRCh38, 1-based): chr4:165,484,427, G>T. VCF-style: chr4-165484427-G-T. GRCh37 (hg19) VCF-style: chr4-166405579-G-T.
Other names: short protein forms A266S.
Identifiers: ClinVar variation 3358579 (VCV003358579.1).

ClinVar aggregate classification (germline): Uncertain significance (0 of 4 stars; one submission).

Conditions:
CPE-related disorder. Also called: CPE-related condition.

gnomAD v4.1: 5 of 1,613,500 alleles (0.00031%); highest among the groups gnomAD compares: Admixed American, 0.0083%; no homozygotes.

Submission:

PreventionGenetics, part of Exact Sciences
Classification: Uncertain significance for CPE-related condition. Last evaluated: 2024-07-29. Review status: no assertion criteria provided. Collection method: clinical testing. Allele origin: germline.
Comment: The CPE c.796G>T variant is predicted to result in the amino acid substitution p.Ala266Ser. To our knowledge, this variant has not been reported in the literature. This variant is reported in 0.015% of alleles in individuals of Latino descent in gnomAD. At this time, the clinical significance of this variant is uncertain due to the absence of conclusive functional and genetic evidence.